The following is an entry in ClinVar:

ClinVar aggregate classification (germline): Likely benign (0 of 4 stars; one submission).

Conditions:
SASH1-related disorder. Also called: SASH1-related condition.

Allele frequency attached by ClinVar (database versions not stated): gnomAD 0.00001; TOPMed 0.00003; ExAC 0.00009.
gnomAD v4.1: 43 of 1,600,204 alleles (0.0027%); highest among the groups gnomAD compares: Admixed American, 0.07%; no homozygotes.

Submission:

PreventionGenetics, part of Exact Sciences
Classification: Likely benign for SASH1-related condition. Last evaluated: 2019-03-01. Review status: no assertion criteria provided. Collection method: clinical testing. Allele origin: germline.
Comment: This variant is classified as likely benign based on ACMG/AMP sequence variant interpretation guidelines (Richards et al. 2015 PMID: 25741868, with internal and published modifications).

NM_015278.5(SASH1):c.111A>G (p.Thr37=)

Gene: SASH1 (SAM and SH3 domain containing 1; plus strand). Cytogenetic location: 6q24.3.
Variant type: single nucleotide variant.
Coding change: c.111A>G on transcript NM_015278.5 (MANE Select); coding-DNA position 111, A replaced by G.
Protein change: p.Thr37=; no amino-acid change (threonine 37 retained).
Molecular consequence: synonymous variant. On other transcripts: 5 prime UTR variant (1), intron variant (1).
Genome position (GRCh38, 1-based): chr6:148,343,178, A>G. VCF-style: chr6-148343178-A-G. GRCh37 (hg19) VCF-style: chr6-148664314-A-G.
Other names: c.-327A>G (NM_001346506.2); c.22-46956A>G (NM_001346505.2).
Identifiers: ClinVar variation 3051692 (VCV003051692.2), dbSNP rs759856682, ClinGen allele CA4039802.
Genomic context (GRCh38, chr6:148,343,178, plus strand): 5'-CGAGCCGGAGCCCGAGCCCGCGCCGGAGCCGGAACCGGAGCCCAAGCCGGGTGCTGGCAC[A>G]TCCGAGGCGTTCTCCCGACTCTGGACCGACGTGATGGGTATCCTGGTAAGTTACCTGGGG-3'
Protein context (NP_056093.3, residues 27-47): PEPEPKPGAG[Thr37=]SEAFSRLWTD